The following is an entry in ClinVar:

NM_000257.4(MYH7):c.1279C>A (p.Leu427Met)

Gene: MYH7 (myosin heavy chain 7; minus strand). Cytogenetic location: 14q11.2.
Variant type: single nucleotide variant.
Coding change: c.1279C>A on transcript NM_000257.4 (MANE Select); coding-DNA position 1279, C replaced by A.
Protein change: p.Leu427Met; replaces leucine 427 with methionine.
Molecular consequence: missense variant.
Genome position (GRCh38, 1-based): chr14:23,429,083, G>T on the plus strand (C>A on the coding strand, the complement: MYH7 is on the minus strand). VCF-style: chr14-23429083-G-T. GRCh37 (hg19) VCF-style: chr14-23898292-G-T.
Other names: c.1279C>A, p.Leu427Met (NM_001407004.1); short protein forms L427M.
Identifiers: ClinVar variation 3876482 (VCV003876482.1).

ClinVar aggregate classification (germline): Uncertain significance (1 of 4 stars; one submission).

Conditions:
Cardiovascular phenotype. Identifiers: MedGen CN230736.

Submission:

Ambry Genetics
Classification: Uncertain significance for Cardiovascular phenotype. Last evaluated: 2025-02-28. Review status: criteria provided, single submitter. Criteria: Ambry Variant Classification Scheme 2023. Collection method: clinical testing. Allele origin: germline.
Comment: The p.L427M variant (also known as c.1279C>A), located in coding exon 12 of the MYH7 gene, results from a C to A substitution at nucleotide position 1279. The leucine at codon 427 is replaced by methionine, an amino acid with highly similar properties. This alteration is located in the myosin head domain, which contains a statistically significant clustering of pathogenic missense variants (Homburger JR et al. Proc Natl Acad Sci U S A, 2016 06;113:6701-6; Walsh R et al. Genet Med, 2017 02;19:192-203; Ambry internal data). This variant was reported in individual(s) with features consistent with hypertrophic cardiomyopathy (N&uacute;&ntilde;ez L et al. Circ J, 2013 Jun;77:2358-65; Lopes LR et al. Heart. 2015 Feb;101(4):294-301; Vikhorev PG et al. Sci Rep, 2017 Nov;7:14829; Walsh R et al. Genet Med, 2017 Feb;19:192-203). This amino acid position is highly conserved in available vertebrate species. In addition, this alteration is predicted to be deleterious by in silico analysis. Based on the available evidence, the clinical significance of this variant remains unclear.

Literature cited by the submitters: PubMed 23782526; PubMed 27532257; PubMed 29093449.